The following is an entry in ClinVar:

NM_000214.3(JAG1):c.2117A>T (p.Asp706Val)

Gene: JAG1 (jagged canonical Notch ligand 1; minus strand). Cytogenetic location: 20p12.2.
Variant type: single nucleotide variant.
Coding change: c.2117A>T on transcript NM_000214.3 (MANE Select); coding-DNA position 2117, A replaced by T.
Protein change: p.Asp706Val; replaces aspartic acid 706 with valine.
Molecular consequence: missense variant.
Genome position (GRCh38, 1-based): chr20:10,645,253, T>A on the plus strand (A>T on the coding strand, the complement: JAG1 is on the minus strand). VCF-style: chr20-10645253-T-A. GRCh37 (hg19) VCF-style: chr20-10625901-T-A.
Other names: short protein forms D706V.
Identifiers: ClinVar variation 3653258 (VCV003653258.2).

ClinVar aggregate classification (germline): Uncertain significance (1 of 4 stars; one submission).

Conditions:
Alagille syndrome due to a JAG1 point mutation. Also called: Alagille Syndrome 1; HEPATIC DUCTULAR HYPOPLASIA, SYNDROMATIC; JAG1-Related Alagille Syndrome. Identifiers: Orphanet 261619, Orphanet 52, MedGen C1956125, MONDO:0016862, OMIM 118450.

Submission:

Labcorp Genetics (formerly Invitae), Labcorp
Classification: Uncertain significance for Alagille syndrome due to a JAG1 point mutation. Last evaluated: 2024-05-13. Review status: criteria provided, single submitter. Criteria: Invitae Variant Classification Sherloc (09022015). Collection method: clinical testing. Allele origin: germline.
Comment: This sequence change replaces aspartic acid, which is acidic and polar, with valine, which is neutral and non-polar, at codon 706 of the JAG1 protein (p.Asp706Val). This variant is not present in population databases (gnomAD no frequency). This variant has not been reported in the literature in individuals affected with JAG1-related conditions. Advanced modeling of protein sequence and biophysical properties (such as structural, functional, and spatial information, amino acid conservation, physicochemical variation, residue mobility, and thermodynamic stability) performed at Invitae indicates that this missense variant is not expected to disrupt JAG1 protein function with a negative predictive value of 95%. In summary, the available evidence is currently insufficient to determine the role of this variant in disease. Therefore, it has been classified as a Variant of Uncertain Significance.